The following is an entry in ClinVar:

NM_198503.5(KCNT2):c.3289G>A (p.Asp1097Asn)

Gene: KCNT2 (potassium sodium-activated channel subfamily T member 2; minus strand). Cytogenetic location: 1q31.3.
Variant type: single nucleotide variant.
Coding change: c.3289G>A on transcript NM_198503.5 (MANE Select); coding-DNA position 3289, G replaced by A.
Protein change: p.Asp1097Asn; replaces aspartic acid 1097 with asparagine.
Molecular consequence: missense variant. On other transcripts: non-coding transcript variant (2).
Genome position (GRCh38, 1-based): chr1:196,235,993, C>T on the plus strand (G>A on the coding strand, the complement: KCNT2 is on the minus strand). VCF-style: chr1-196235993-C-T. GRCh37 (hg19) VCF-style: chr1-196205123-C-T.
Other names: c.3217G>A, p.Asp1073Asn (NM_001287819.3); c.3088G>A, p.Asp1030Asn (NM_001287820.3); short protein forms D1030N, D1073N, D1097N.
Identifiers: ClinVar variation 1805731 (VCV001805731.1), dbSNP rs2527605199, ClinGen allele CA343973689.

ClinVar aggregate classification (germline): Uncertain significance (1 of 4 stars; one submission).

Conditions:
Developmental and epileptic encephalopathy, 57. Also called: EPILEPTIC ENCEPHALOPATHY, EARLY INFANTILE, 57. Identifiers: MedGen C4540411, MONDO:0033366, OMIM 617771.

Submission:

Victorian Clinical Genetics Services, Murdoch Childrens Research Institute
Classification: Uncertain significance for Developmental and epileptic encephalopathy, 57. Last evaluated: 2020-06-11. Review status: criteria provided, single submitter. Criteria: ACMG Guidelines, 2015. Collection method: clinical testing. Allele origin: germline. Inheritance: Autosomal dominant inheritance.
Comment: Based on the classification scheme VCGS_Germline_v1.1.1, this variant is classified as 3C-VUS. Following criteria are met: 0103 - Both loss- and gain-of-function are known mechanisms of disease for this gene. Gain of function, loss of function, change of function, and the possibility of a dominant negative mechanism, have all been reported for pathogenic KCNT2 variants in patients with early-onset epileptic encephalopathies, including epilepsy of infancy with migrating focal seizures (PMID: 29069600, PMID: 29740868, PMID: 32038177). (N) 0107 - This gene is known to be associated with autosomal dominant disease. (N) 0200 - Variant is predicted to result in a missense amino acid change from aspartic acid to asparagine (exon 27). (N) 0251 - Variant is heterozygous. (N) 0301 - Variant is absent from gnomAD. (P) 0504 - Same amino acid change has been observed in mammals. (B) 0604 - Variant is not located in an established domain, motif, hotspot or informative constraint region. (N) 0705 - No comparable variants have previous evidence for pathogenicity. (N) 0807 - Variant has not previously been reported in a clinical context. (N) 0905 - No segregation evidence has been identified for this variant. (N) 1007 - No published functional evidence has been identified for this variant. (N) 1208 - Inheritance information for this variant is not currently available. (N) Legend: (P) - Pathogenic, (N) - Neutral, (B) - Benign

Literature cited by the submitters: PubMed 29069600; PubMed 29740868; PubMed 32038177.